The following is an entry in ClinVar:

NM_032802.4(SPPL2A):c.133T>C (p.Tyr45His)

Gene: SPPL2A (signal peptide peptidase like 2A; minus strand). Cytogenetic location: 15q21.2.
Variant type: single nucleotide variant.
Coding change: c.133T>C on transcript NM_032802.4 (MANE Select); coding-DNA position 133, T replaced by C.
Protein change: p.Tyr45His; replaces tyrosine 45 with histidine.
Molecular consequence: missense variant.
Genome position (GRCh38, 1-based): chr15:50,749,680, A>G on the plus strand (T>C on the coding strand, the complement: SPPL2A is on the minus strand). VCF-style: chr15-50749680-A-G. GRCh37 (hg19) VCF-style: chr15-51041877-A-G.
Other names: short protein forms Y45H.
Identifiers: ClinVar variation 1986009 (VCV001986009.4), dbSNP rs780696838, ClinGen allele CA7558570.
Genomic context (GRCh38, chr15:50,749,680, plus strand): 5'-ACTGTGATTTACTTACTGCATTTTCTAGGGTACTTGGAAGAGCTGTCCAATAAGGGTTAT[A>G]AAGCATGCAGTAGTCCTTGGTTGTGCCATTTCCAGACGCATGCAAGATTGCTTCCTGAGC-3'
Protein context (NP_116191.2, residues 35-55): NGTTKDYCML[Tyr45His]NPYWTALPST

ClinVar aggregate classification (germline): Uncertain significance (1 of 4 stars; one submission).

Allele frequency attached by ClinVar (database versions not stated): gnomAD exomes below 0.00001; ExAC 0.00001.
gnomAD v4.1: 2 of 1,613,328 alleles (0.00012%); highest among the groups gnomAD compares: East Asian, 0.0022%; no homozygotes.

Submission:

Labcorp Genetics (formerly Invitae), Labcorp
Classification: Uncertain significance. Last evaluated: 2025-03-18. Review status: criteria provided, single submitter. Criteria: Invitae Variant Classification Sherloc (09022015). Collection method: clinical testing. Allele origin: germline.
Comment: This sequence change replaces tyrosine, which is neutral and polar, with histidine, which is basic and polar, at codon 45 of the SPPL2A protein (p.Tyr45His). This variant is present in population databases (rs780696838, gnomAD 0.006%). This variant has not been reported in the literature in individuals affected with SPPL2A-related conditions. ClinVar contains an entry for this variant (Variation ID: 1986009). An algorithm developed to predict the effect of missense changes on protein structure and function (PolyPhen-2) suggests that this variant is likely to be disruptive. In summary, the available evidence is currently insufficient to determine the role of this variant in disease. Therefore, it has been classified as a Variant of Uncertain Significance.